The following is an entry in ClinVar:

NM_022455.5(NSD1):c.6636T>C (p.Pro2212=)

Gene: NSD1 (nuclear receptor binding SET domain protein 1; plus strand). Cytogenetic location: 5q35.3.
Variant type: single nucleotide variant.
Coding change: c.6636T>C on transcript NM_022455.5 (MANE Select); coding-DNA position 6636, T replaced by C.
Protein change: p.Pro2212=; no amino-acid change (proline 2212 retained).
Molecular consequence: synonymous variant.
Genome position (GRCh38, 1-based): chr5:177,294,004, T>C. VCF-style: chr5-177294004-T-C. GRCh37 (hg19) VCF-style: chr5-176721005-T-C.
Other names: c.5763T>C, p.Pro1921= (NM_001365684.2, NM_001409308.1, NM_172349.5); c.6636T>C, p.Pro2212= (NM_001409301.1, NM_001409302.1, NM_001409303.1); c.6216T>C, p.Pro2072= (NM_001409304.1); c.5883T>C, p.Pro1961= (NM_001409305.1); c.5874T>C, p.Pro1958= (NM_001409306.1, NM_001409307.1); c.5514T>C, p.Pro1838= (NM_001409309.1).
Identifiers: ClinVar variation 2062857 (VCV002062857.5), dbSNP rs200168805, ClinGen allele CA3578022.

ClinVar aggregate classification (germline): Benign. Review status: criteria provided, single submitter (1 of 4 stars). 2 submissions from 2 submitters: Benign (1). 1 of the submissions does not count toward it. Last evaluated 2026-01-22.

Conditions:
NSD1-related disorder. Also called: NSD1-related condition.

Allele frequency attached by ClinVar (database versions not stated): gnomAD exomes 0.00001; ExAC 0.00002; gnomAD 0.00011; TOPMed 0.00011; 1000 Genomes Project 30x 0.00016; 1000 Genomes Project 0.00020.
gnomAD v4.1: 33 of 1,614,090 alleles (0.002%); highest among the groups gnomAD compares: African/African-American, 0.04%; no homozygotes.

Submissions (2):

Labcorp Genetics (formerly Invitae), Labcorp
Classification: Benign. Last evaluated: 2026-01-22. Review status: criteria provided, single submitter. Criteria: Invitae Variant Classification Sherloc (09022015). Collection method: clinical testing. Allele origin: germline.

PreventionGenetics, part of Exact Sciences
Classification: Likely benign for NSD1-related condition. Last evaluated: 2024-07-29. Review status: no assertion criteria provided. Collection method: clinical testing. Allele origin: germline. Not counted in ClinVar's aggregate classification.
Comment: This variant is classified as likely benign based on ACMG/AMP sequence variant interpretation guidelines (Richards et al. 2015 PMID: 25741868, with internal and published modifications).